The following is an entry in ClinVar:

ClinVar aggregate classification (germline): Pathogenic (0 of 4 stars; one submission).

Conditions:
Coffin-Siris syndrome 1 (CSS1). Also called: ARID1B-Related Coffin-Siris Syndrome; Mental retardation, autosomal dominant 12. Identifiers: Orphanet 1465, MedGen C3281201, MONDO:0007617, OMIM 135900. Disease mechanism: gain of function.

Submission:

Yan Lab, Department of Urology, Pediatric Urolith Center, National Clinical Research Center for Child Health, The Children’s Hospital of Zhejiang University School of Medicine
Classification: Pathogenic for Coffin-Siris syndrome 1. Review status: no assertion criteria provided. Collection method: clinical testing. Allele origin: germline. Inheritance: Autosomal dominant inheritance. Affected: yes. Observed: 1 heterozygote.
Comment: Variant summary: ARID1B c.3120del, p.Glu1041Argfs*89 results in the change of 1041 amino acid from glutamate to arginine and contributes to premature stop codon. This novel variant was absent from Genome Aggregation Database (gnomAD) and previous reports. The potential impact of the p.Glu1041Argfs*89 mutation on ARID1B protein function was evaluated by the Mutation Taster tool, being considered disease causing. The alternation region is in coding sequence. It was predicted that the mutation result in nonsense-mediated mRNA decay (NMD). Sequence conservative analysis revealed that the sequences of ARID1B exhibited high conservation among various species.

Literature cited by the submitters: DOI 10.1038/s41436-018-0330-z.

NM_001374828.1(ARID1B):c.3330del (p.Glu1111fs)

Gene: ARID1B (AT-rich interaction domain 1B; plus strand). Cytogenetic location: 6q25.3.
Variant type: Deletion.
Coding change: c.3330del on transcript NM_001374828.1 (MANE Select); coding-DNA position 3330, one base deleted (C; older notation c.3330delC).
Protein change: p.Glu1111fs; shifts the reading frame from glutamic acid 1111.
Molecular consequence: frameshift variant.
Genome position (GRCh38, 1-based): chr6:157,174,102, C deleted; the last of 3 consecutive C bases (chr6:157,174,100-157,174,102); deleting any one gives the same sequence. VCF-style (leftmost placement, unchanged base first): chr6-157174099-GC-G. GRCh37 (hg19) VCF-style: chr6-157495233-GC-G.
Other names: c.831del, p.Glu278fs (NM_001363725.2); c.3369del, p.Glu1124fs (NM_001371656.1, NM_001374820.1); c.3330del, p.Glu1111fs (NM_017519.3); c.3120del (NM_020732.3); short protein forms E1111fs, E1124fs, E278fs.
Identifiers: ClinVar variation 3767250 (VCV003767250.2).